The following is an entry in ClinVar:

NM_001242.5(CD27):c.364C>A (p.Pro122Thr)

Genes: CD27 (CD27 molecule; plus strand), CD27-AS1 (CD27 antisense RNA 1; minus strand). Cytogenetic location: 12p13.31.
Variant type: single nucleotide variant.
Coding change: c.364C>A on transcript NM_001242.5 (MANE Select); coding-DNA position 364, C replaced by A.
Protein change: p.Pro122Thr; replaces proline 122 with threonine.
Molecular consequence: missense variant. On other transcripts: 5 prime UTR variant (3), non-coding transcript variant (4), intron variant (1).
Genome position (GRCh38, 1-based): chr12:6,450,268, C>A. VCF-style: chr12-6450268-C-A. GRCh37 (hg19) VCF-style: chr12-6559434-C-A.
Other names: c.457C>A, p.Pro153Thr (NM_001413263.1); c.337C>A, p.Pro113Thr (NM_001413264.1); c.-87C>A (NM_001413266.1, NM_001413267.1, NM_001413268.1); c.269-273C>A (NM_001413265.1); short protein forms P153T, P113T, P122T.
Identifiers: ClinVar variation 2869862 (VCV002869862.3), dbSNP rs2498137263, ClinGen allele CA383549821.
Genomic context (GRCh38, chr12:6,450,268, plus strand): 5'-GCTGAGTGTGCCTGTCGCAATGGCTGGCAGTGCAGGGACAAGGAGTGCACCGAGTGTGAT[C>A]CTCTTCCAAACCCTTCGCTGACCGCTCGGTCGTCTCAGGCCCTGAGCCCACACCCTCAGC-3'
Protein context (NP_001233.2, residues 112-132): CRDKECTECD[Pro122Thr]LPNPSLTARS

ClinVar aggregate classification (germline): Uncertain significance (1 of 4 stars; one submission).

Conditions:
Lymphoproliferative syndrome 2 (LPFS2). Also called: CD27 DEFICIENCY; Combined immunodeficiency due to CD27 deficiency. Identifiers: Orphanet 238505, MedGen C3554540, MONDO:0014054, OMIM 615122.

Submission:

Labcorp Genetics (formerly Invitae), Labcorp
Classification: Uncertain significance for Lymphoproliferative syndrome 2. Last evaluated: 2023-12-09. Review status: criteria provided, single submitter. Criteria: Invitae Variant Classification Sherloc (09022015). Collection method: clinical testing. Allele origin: germline.
Comment: This sequence change replaces proline, which is neutral and non-polar, with threonine, which is neutral and polar, at codon 122 of the CD27 protein (p.Pro122Thr). This variant is not present in population databases (gnomAD no frequency). This variant has not been reported in the literature in individuals affected with CD27-related conditions. Advanced modeling of protein sequence and biophysical properties (such as structural, functional, and spatial information, amino acid conservation, physicochemical variation, residue mobility, and thermodynamic stability) performed at Invitae indicates that this missense variant is not expected to disrupt CD27 protein function with a negative predictive value of 80%. In summary, the available evidence is currently insufficient to determine the role of this variant in disease. Therefore, it has been classified as a Variant of Uncertain Significance.